The following is an entry in ClinVar:

ClinVar aggregate classification (germline): Uncertain significance (1 of 4 stars; one submission).

Conditions:
RASopathy. Also called: rasopathies; Noonan spectrum disorder. Identifiers: Orphanet 536391, MedGen C5555857, MONDO:0021060.

Submission:

Labcorp Genetics (formerly Invitae), Labcorp
Classification: Uncertain significance for RASopathy. Last evaluated: 2021-12-24. Review status: criteria provided, single submitter. Criteria: Invitae Variant Classification Sherloc (09022015). Collection method: clinical testing. Allele origin: germline.
Comment: This sequence change replaces glycine, which is neutral and non-polar, with glutamic acid, which is acidic and polar, at codon 445 of the SHOC2 protein (p.Gly445Glu). This variant is not present in population databases (gnomAD no frequency). This variant has not been reported in the literature in individuals affected with SHOC2-related conditions. Algorithms developed to predict the effect of missense changes on protein structure and function are either unavailable or do not agree on the potential impact of this missense change (SIFT: "Deleterious"; PolyPhen-2: "Probably Damaging"; Align-GVGD: "Class C0"). In summary, the available evidence is currently insufficient to determine the role of this variant in disease. Therefore, it has been classified as a Variant of Uncertain Significance.

NM_007373.4(SHOC2):c.1334G>A (p.Gly445Glu)

Gene: SHOC2 (SHOC2 leucine rich repeat scaffold protein; plus strand). Cytogenetic location: 10q25.2.
Variant type: single nucleotide variant.
Coding change: c.1334G>A on transcript NM_007373.4 (MANE Select); coding-DNA position 1334, G replaced by A.
Protein change: p.Gly445Glu; replaces glycine 445 with glutamic acid.
Molecular consequence: missense variant. On other transcripts: non-coding transcript variant (1).
Genome position (GRCh38, 1-based): chr10:111,009,297, G>A. VCF-style: chr10-111009297-G-A. GRCh37 (hg19) VCF-style: chr10-112769055-G-A.
Other names: c.1196G>A, p.Gly399Glu (NM_001269039.3); c.1334G>A, p.Gly445Glu (NM_001324336.2, NM_001324337.2); short protein forms G445E, G399E.
Identifiers: ClinVar variation 2058053 (VCV002058053.4), dbSNP rs1848525726, ClinGen allele CA378524018.